The following is an entry in ClinVar:

NM_006904.7(PRKDC):c.591C>G (p.Phe197Leu)

Gene: PRKDC (protein kinase, DNA-activated, catalytic subunit; minus strand). Cytogenetic location: 8q11.21.
Variant type: single nucleotide variant.
Coding change: c.591C>G on transcript NM_006904.7 (MANE Select); coding-DNA position 591, C replaced by G.
Protein change: p.Phe197Leu; replaces phenylalanine 197 with leucine.
Molecular consequence: missense variant.
Genome position (GRCh38, 1-based): chr8:47,953,837, G>C on the plus strand (C>G on the coding strand, the complement: PRKDC is on the minus strand). VCF-style: chr8-47953837-G-C. GRCh37 (hg19) VCF-style: chr8-48866397-G-C.
Other names: c.591C>G, p.Phe197Leu (NM_001081640.2); short protein forms F197L.
Identifiers: ClinVar variation 2560676 (VCV002560676.2), dbSNP rs1040252012, ClinGen allele CA176150472.

ClinVar aggregate classification (germline): Uncertain significance (1 of 4 stars; one submission).

Allele frequency attached by ClinVar (database versions not stated): gnomAD 0.00001; TOPMed 0.00001.
gnomAD v4.1: 11 of 1,571,460 alleles (0.0007%); highest among the groups gnomAD compares: East Asian, 0.014%; no homozygotes.

Submission:

Ambry Genetics
Classification: Uncertain significance. Last evaluated: 2023-03-17. Review status: criteria provided, single submitter. Criteria: Ambry Variant Classification Scheme 2023. Collection method: clinical testing. Allele origin: germline.
Comment: The p.F197L variant (also known as c.591C>G), located in coding exon 6 of the PRKDC gene, results from a C to G substitution at nucleotide position 591. The phenylalanine at codon 197 is replaced by leucine, an amino acid with highly similar properties. This amino acid position is conserved. In addition, the in silico prediction for this alteration is inconclusive. Since supporting evidence is limited at this time, the clinical significance of this alteration remains unclear.